The following is an entry in ClinVar:

NM_022454.4(SOX17):c.704C>A (p.Ala235Asp)

Gene: SOX17 (SRY-box transcription factor 17; plus strand). Cytogenetic location: 8q11.23.
Variant type: single nucleotide variant.
Coding change: c.704C>A on transcript NM_022454.4 (MANE Select); coding-DNA position 704, C replaced by A.
Protein change: p.Ala235Asp; replaces alanine 235 with aspartic acid.
Molecular consequence: missense variant.
Genome position (GRCh38, 1-based): chr8:54,459,454, C>A. VCF-style: chr8-54459454-C-A. GRCh37 (hg19) VCF-style: chr8-55372014-C-A.
Other names: c.704C>A (NM_022454.3); short protein forms A235D.
Identifiers: ClinVar variation 3595653 (VCV003595653.3).
Genomic context (GRCh38, chr8:54,459,454, plus strand): 5'-ACGGCTACCCGTTGCCCACGCCCGACACGTCCCCGCTGGACGGCGTGGACCCCGACCCGG[C>A]TTTCTTCGCCGCCCCGATGCCCGGGGACTGCCCGGCGGCCGGCACCTACAGCTACGCGCA-3'
Protein context (NP_071899.1, residues 225-245): SPLDGVDPDP[Ala235Asp]FFAAPMPGDC

ClinVar aggregate classification (germline): Conflicting classifications of pathogenicity. Review status: criteria provided, conflicting classifications (1 of 4 stars). 3 submissions from 3 submitters: Uncertain significance (2); Likely benign (1). Last evaluated 2025-08-20.

Conditions:
Inborn genetic diseases. Identifiers: MedGen C0950123, MeSH D030342.
Vesicoureteral reflux 3 (VUR3). Identifiers: Orphanet 289365, MedGen C3150927, MONDO:0013356, OMIM 613674.

Submissions (3):

Labcorp Genetics (formerly Invitae), Labcorp
Classification: Uncertain significance. Last evaluated: 2025-08-20. Review status: criteria provided, single submitter. Criteria: Invitae Variant Classification Sherloc (09022015). Collection method: clinical testing. Allele origin: germline.
Comment: This sequence change replaces alanine, which is neutral and non-polar, with aspartic acid, which is acidic and polar, at codon 235 of the SOX17 protein (p.Ala235Asp). This variant is present in population databases (rs773241660, gnomAD 0.01%). This variant has not been reported in the literature in individuals affected with SOX17-related conditions. ClinVar contains an entry for this variant (Variation ID: 3595653). Invitae Evidence Modeling of protein sequence and biophysical properties (such as structural, functional, and spatial information, amino acid conservation, physicochemical variation, residue mobility, and thermodynamic stability) indicates that this missense variant is not expected to disrupt SOX17 protein function with a negative predictive value of 80%. In summary, the available evidence is currently insufficient to determine the role of this variant in disease. Therefore, it has been classified as a Variant of Uncertain Significance.

Ambry Genetics
Classification: Uncertain significance for Inborn genetic diseases. Last evaluated: 2024-12-16. Review status: criteria provided, single submitter. Criteria: Ambry Variant Classification Scheme 2023. Collection method: clinical testing. Allele origin: germline.

Fulgent Genetics
Classification: Likely benign for Vesicoureteral reflux 3. Last evaluated: 2024-03-19. Review status: criteria provided, single submitter. Criteria: ACMG Guidelines, 2015. Collection method: clinical testing. Allele origin: germline.